The following is an entry in ClinVar:

ClinVar aggregate classification (germline): Benign (1 of 4 stars; one submission).

Conditions:
3-methylglutaconic aciduria type 1 (MGCA1). Identifiers: Orphanet 67046, MedGen C0342727, MONDO:0009610, OMIM 250950.

Allele frequency attached by ClinVar (database versions not stated): 1000 Genomes Project 0.00459; 1000 Genomes Project 30x 0.00422; gnomAD exomes 0.00037; gnomAD 0.00291 and 0.00297; TOPMed 0.00315.
gnomAD v4.1: 618 of 564,218 alleles (0.11%); highest among the groups gnomAD compares: African/African-American, 1%; 3 homozygotes.

Submission:

Illumina Laboratory Services, Illumina
Classification: Benign for 3-methylglutaconic aciduria type 1. Last evaluated: 2018-01-13. Review status: criteria provided, single submitter. Criteria: ICSL Variant Classification Criteria 13 December 2019. Collection method: clinical testing. Allele origin: germline.
Comment: This variant was observed in the ICSL laboratory as part of a predisposition screen in an ostensibly healthy population. It had not been previously curated by ICSL or reported in the Human Gene Mutation Database (HGMD: prior to June 1st, 2018), and was therefore a candidate for classification through an automated scoring system. Utilizing variant allele frequency, disease prevalence and penetrance estimates, and inheritance mode, an automated score was calculated to assess if this variant is too frequent to cause the disease. Based on the score and internal cut-off values, a variant classified as benign is not then subjected to further curation. The score for this variant resulted in a classification of benign for this disease.

NM_001698.3(AUH):c.*200A>G

Gene: AUH (AU RNA binding methylglutaconyl-CoA hydratase; minus strand). Cytogenetic location: 9q22.31.
Variant type: single nucleotide variant.
Coding change: c.*200A>G on transcript NM_001698.3 (MANE Select); 200 bases downstream of the stop codon, A replaced by G.
Molecular consequence: 3 prime UTR variant.
Genome position (GRCh38, 1-based): chr9:91,214,148, T>C on the plus strand (A>G on the coding strand, the complement: AUH is on the minus strand). VCF-style: chr9-91214148-T-C. GRCh37 (hg19) VCF-style: chr9-93976430-T-C.
Other names: c.*200A>G (NM_001306190.2, NM_001351431.2, NM_001351432.2 and 1 more transcripts).
Identifiers: ClinVar variation 914655 (VCV000914655.4), dbSNP rs113687423, ClinGen allele CA195884926.